The following is an entry in ClinVar:

ClinVar aggregate classification (germline): Uncertain significance (1 of 4 stars; one submission).

Submission:

GeneDx
Classification: Uncertain significance. Last evaluated: 2025-01-16. Review status: criteria provided, single submitter. Criteria: GeneDx Variant Classification Process June 2021. Collection method: clinical testing. Allele origin: germline. Affected: yes.
Comment: Not observed at significant frequency in large population cohorts (gnomAD); In silico analysis indicates that this missense variant does not alter protein structure/function; Has not been previously published as pathogenic or benign to our knowledge

NM_194248.3(OTOF):c.3371T>G (p.Met1124Arg)

Gene: OTOF (otoferlin; minus strand). Cytogenetic location: 2p23.3.
Variant type: single nucleotide variant.
Coding change: c.3371T>G on transcript NM_194248.3 (MANE Select); coding-DNA position 3371, T replaced by G.
Protein change: p.Met1124Arg; replaces methionine 1124 with arginine.
Molecular consequence: missense variant.
Genome position (GRCh38, 1-based): chr2:26,474,028, A>C on the plus strand (T>G on the coding strand, the complement: OTOF is on the minus strand). VCF-style: chr2-26474028-A-C. GRCh37 (hg19) VCF-style: chr2-26696896-A-C.
Other names: c.3371T>G, p.Met1124Arg (NM_001287489.2); c.1130T>G, p.Met377Arg (NM_004802.4, NM_194323.3); c.1301T>G, p.Met434Arg (NM_194322.3); short protein forms M1124R, M377R, M434R.
Identifiers: ClinVar variation 4070745 (VCV004070745.1).